The following is an entry in ClinVar:

ClinVar aggregate classification (germline): Uncertain significance. Review status: criteria provided, multiple submitters, no conflicts (2 of 4 stars). 2 submissions from 2 submitters: Uncertain significance (2). Last evaluated 2025-12-18.

Conditions:
Microcephaly, normal intelligence and immunodeficiency (NBS). Also called: Ataxia telangiectasia variant V1; Nijmegen breakage syndrome; Microcephaly with normal intelligence immunodeficiency and lymphoreticular malignancies; Nonsyndromal microcephaly autosomal recessive with normal intelligence; Seemanova syndrome 2; BERLIN BREAKAGE SYNDROME. Identifiers: Orphanet 647, MedGen C0398791, MONDO:0009623, OMIM 251260.

Allele frequency attached by ClinVar (database versions not stated): gnomAD exomes below 0.00001.
gnomAD v4.1: 2 of 1,613,722 alleles (0.00012%); no homozygotes.

Submissions (2):

Hema, HEMA – Genetic and Molecular Diagnostic Laboratory
Classification: Uncertain significance for Microcephaly, normal intelligence and immunodeficiency. Last evaluated: 2025-12-18. Review status: criteria provided, single submitter. Criteria: HEMA Variant Classification Assertion Criteria. Collection method: clinical testing. Allele origin: germline.
Comment: The c.1013C>T variant is a transition from guanine to adenine, resulting in the substitution of proline 338 with leucine in the NBN protein. BP4_Moderate: The computational metapredictor REVEL score = 0.0590 ≤ 0.183, indicating that the variant would not have an effect on the NBN protein. PM2_Supporting: Present at very low frequency in the gnomAD v4.1.0 database.

Labcorp Genetics (formerly Invitae), Labcorp
Classification: Uncertain significance for Microcephaly, normal intelligence and immunodeficiency. Last evaluated: 2021-11-23. Review status: criteria provided, single submitter. Criteria: Invitae Variant Classification Sherloc (09022015). Collection method: clinical testing. Allele origin: germline.
Comment: In summary, the available evidence is currently insufficient to determine the role of this variant in disease. Therefore, it has been classified as a Variant of Uncertain Significance. Algorithms developed to predict the effect of missense changes on protein structure and function (SIFT, PolyPhen-2, Align-GVGD) all suggest that this variant is likely to be tolerated. This variant has not been reported in the literature in individuals affected with NBN-related conditions. This variant is not present in population databases (gnomAD no frequency). This sequence change replaces proline, which is neutral and non-polar, with leucine, which is neutral and non-polar, at codon 338 of the NBN protein (p.Pro338Leu).

NM_002485.5(NBN):c.1013C>T (p.Pro338Leu)

Gene: NBN (nibrin; minus strand). Cytogenetic location: 8q21.3.
Variant type: single nucleotide variant.
Coding change: c.1013C>T on transcript NM_002485.5 (MANE Select); coding-DNA position 1013, C replaced by T.
Protein change: p.Pro338Leu; replaces proline 338 with leucine.
Molecular consequence: missense variant.
Genome position (GRCh38, 1-based): chr8:89,958,836, G>A on the plus strand (C>T on the coding strand, the complement: NBN is on the minus strand). VCF-style: chr8-89958836-G-A. GRCh37 (hg19) VCF-style: chr8-90971064-G-A.
Other names: c.767C>T, p.Pro256Leu (NM_001024688.3); short protein forms P256L, P338L.
Identifiers: ClinVar variation 1491858 (VCV001491858.5), dbSNP rs2129746873, ClinGen allele CA371656784.